The following is an entry in ClinVar:

NM_000026.4(ADSL):c.1391A>T (p.Glu464Val)

Gene: ADSL (adenylosuccinate lyase; plus strand). Cytogenetic location: 22q13.1.
Variant type: single nucleotide variant.
Coding change: c.1391A>T on transcript NM_000026.4 (MANE Select); coding-DNA position 1391, A replaced by T.
Protein change: p.Glu464Val; replaces glutamic acid 464 with valine.
Molecular consequence: missense variant. On other transcripts: non-coding transcript variant (1).
Genome position (GRCh38, 1-based): chr22:40,366,458, A>T. VCF-style: chr22-40366458-A-T. GRCh37 (hg19) VCF-style: chr22-40762462-A-T.
Other names: p.E464V:GAG>GTG; c.1214A>T, p.Glu405Val (NM_001123378.3); c.1199A>T, p.Glu400Val (NM_001317923.2); c.1391A>T, p.Glu464Val (NM_001363840.3); short protein forms E464V, E400V, E405V.
Identifiers: ClinVar variation 204802 (VCV000204802.2), dbSNP rs796052249, ClinGen allele CA313121.

ClinVar aggregate classification (germline): Uncertain significance (1 of 4 stars; one submission).

Submission:

GeneDx
Classification: Uncertain significance. Last evaluated: 2018-07-12. Review status: criteria provided, single submitter. Criteria: GeneDx Variant Classification (06012015). Collection method: clinical testing. Allele origin: germline. Affected: yes.
Comment: p.Glu464Val (GAG>GTG): c.1391 A>T in exon 13 of the ADSL gene (NM_000026.2) The E464V variant has not been published as a pathogenic variant, nor has it been reported as a benign variant to our knowledge. The E464V variant is not observed in large population cohorts (Lek et al., 2016). The E464V variant is a non-conservative amino acid substitution, which is likely to impact secondary protein structure as these residues differ in polarity, charge, size and/or other properties. In-silico analyses, including protein predictors and evolutionary conservation, support a deleterious effect. Therefore, based on the currently available information, it is unclear whether this variant is a pathogenic variant or a rare benign variant. The variant is found in EPILEPSY panel(s).